The following is an entry in ClinVar:

ClinVar aggregate classification (germline): Uncertain significance. Review status: criteria provided, multiple submitters, no conflicts (2 of 4 stars). 3 submissions from 3 submitters: Uncertain significance (3). Last evaluated 2024-01-22.

Conditions:
Orofaciodigital syndrome type 6 (OFD6). Also called: OROFACIODIGITAL SYNDROME VI; OFDS VI; POLYDACTYLY, CLEFT LIP/PALATE OR LINGUAL LUMP, AND PSYCHOMOTOR RETARDATION; VARADI SYNDROME; VARADI-PAPP SYNDROME; Oral-facial-digital syndrome type 6. Identifiers: Orphanet 2754, MedGen C2745997, MONDO:0010176, OMIM 277170.
Joubert syndrome 17 (JBTS17). Identifiers: Orphanet 475, MedGen C3553264, MONDO:0013824, OMIM 614615.

Allele frequency attached by ClinVar (database versions not stated): gnomAD exomes 0.00001; gnomAD 0.00003; TOPMed 0.00004.
gnomAD v4.1: 20 of 1,613,730 alleles (0.0012%); highest among the groups gnomAD compares: Admixed American, 0.0033%; no homozygotes.

Submissions (3):

Labcorp Genetics (formerly Invitae), Labcorp
Classification: Uncertain significance. Last evaluated: 2024-01-22. Review status: criteria provided, single submitter. Criteria: Invitae Variant Classification Sherloc (09022015). Collection method: clinical testing. Allele origin: germline.
Comment: This sequence change replaces threonine, which is neutral and polar, with methionine, which is neutral and non-polar, at codon 1476 of the CPLANE1 protein (p.Thr1476Met). This variant is present in population databases (no rsID available, gnomAD 0.003%). This variant has not been reported in the literature in individuals affected with CPLANE1-related conditions. ClinVar contains an entry for this variant (Variation ID: 1412464). Advanced modeling of protein sequence and biophysical properties (such as structural, functional, and spatial information, amino acid conservation, physicochemical variation, residue mobility, and thermodynamic stability) performed at Invitae indicates that this missense variant is not expected to disrupt CPLANE1 protein function with a negative predictive value of 95%. In summary, the available evidence is currently insufficient to determine the role of this variant in disease. Therefore, it has been classified as a Variant of Uncertain Significance.

Fulgent Genetics
Classification: Uncertain significance for Orofaciodigital syndrome type 6; Joubert syndrome 17. Last evaluated: 2024-01-05. Review status: criteria provided, single submitter. Criteria: ACMG Guidelines, 2015. Collection method: clinical testing. Allele origin: germline.

Blueprint Genetics
Classification: Uncertain significance. Last evaluated: 2022-02-17. Review status: criteria provided, single submitter. Criteria: ACMG Guidelines, 2015. Collection method: clinical testing. Allele origin: germline.

NM_001384732.1(CPLANE1):c.4427C>T (p.Thr1476Met)

Genes: CPLANE1 (ciliogenesis and planar polarity effector complex subunit 1; minus strand), LOC129389274 (MPRA-validated peak5227 silencer; plus strand). Cytogenetic location: 5p13.2.
Variant type: single nucleotide variant.
Coding change: c.4427C>T on transcript NM_001384732.1 (MANE Select); coding-DNA position 4427, C replaced by T.
Protein change: p.Thr1476Met; replaces threonine 1476 with methionine.
Molecular consequence: missense variant.
Genome position (GRCh38, 1-based): chr5:37,184,842, G>A on the plus strand (C>T on the coding strand, the complement: CPLANE1 is on the minus strand). VCF-style: chr5-37184842-G-A. GRCh37 (hg19) VCF-style: chr5-37184944-G-A.
Other names: c.4427C>T, p.Thr1476Met (NM_023073.4); c.4427C>T (NM_023073.3); short protein forms T1476M.
Identifiers: ClinVar variation 1412464 (VCV001412464.6), dbSNP rs1396140286, ClinGen allele CA359499349.